The following is an entry in ClinVar:

ClinVar aggregate classification (germline): Uncertain significance. Review status: criteria provided, multiple submitters, no conflicts (2 of 4 stars). 3 submissions from 3 submitters: Uncertain significance (3). Last evaluated 2024-11-13.

Submissions (3):

Blueprint Genetics
Classification: Uncertain significance. Last evaluated: 2024-11-13. Review status: criteria provided, single submitter. Criteria: ACMG Guidelines, 2015. Collection method: clinical testing. Allele origin: germline.

GeneDx
Classification: Uncertain significance. Last evaluated: 2024-11-05. Review status: criteria provided, single submitter. Criteria: GeneDx Variant Classification Process June 2021. Collection method: clinical testing. Allele origin: germline. Affected: yes.
Comment: Not observed at significant frequency in large population cohorts (gnomAD); In silico analysis supports that this missense variant has a deleterious effect on protein structure/function; Has not been previously published as pathogenic or benign to our knowledge

Labcorp Genetics (formerly Invitae), Labcorp
Classification: Uncertain significance. Last evaluated: 2024-07-24. Review status: criteria provided, single submitter. Criteria: Invitae Variant Classification Sherloc (09022015). Collection method: clinical testing. Allele origin: germline.
Comment: This sequence change replaces histidine, which is basic and polar, with glutamine, which is neutral and polar, at codon 648 of the NTRK2 protein (p.His648Gln). This variant is not present in population databases (gnomAD no frequency). This variant has not been reported in the literature in individuals affected with NTRK2-related conditions. ClinVar contains an entry for this variant (Variation ID: 1377262). Advanced modeling of protein sequence and biophysical properties (such as structural, functional, and spatial information, amino acid conservation, physicochemical variation, residue mobility, and thermodynamic stability) performed at Invitae indicates that this missense variant is not expected to disrupt NTRK2 protein function with a negative predictive value of 80%. In summary, the available evidence is currently insufficient to determine the role of this variant in disease. Therefore, it has been classified as a Variant of Uncertain Significance.

NM_006180.6(NTRK2):c.1944C>G (p.His648Gln)

Gene: NTRK2 (neurotrophic receptor tyrosine kinase 2; plus strand). Cytogenetic location: 9q21.33.
Variant type: single nucleotide variant.
Coding change: c.1944C>G on transcript NM_006180.6 (MANE Select); coding-DNA position 1944, C replaced by G.
Protein change: p.His648Gln; replaces histidine 648 with glutamine.
Molecular consequence: missense variant.
Genome position (GRCh38, 1-based): chr9:84,955,289, C>G. VCF-style: chr9-84955289-C-G. GRCh37 (hg19) VCF-style: chr9-87570204-C-G.
Other names: c.1896C>G, p.His632Gln (NM_001018064.3, NM_001369532.1, NM_001369533.1); c.1860C>G, p.His620Gln (NM_001369534.1); c.1428C>G, p.His476Gln (NM_001369535.1); c.1476C>G, p.His492Gln (NM_001369536.1); c.1944C>G (NM_006180.3); short protein forms H476Q, H492Q, H620Q, H632Q, H648Q.
Identifiers: ClinVar variation 1377262 (VCV001377262.10), dbSNP rs930501911, ClinGen allele CA374009900.